The following is an entry in ClinVar:

ClinVar aggregate classification (germline): Pathogenic (1 of 4 stars; one submission).

Conditions:
Neurofibromatosis, type 1 (NF1). Also called: Neurofibromatosis, type I; VON RECKLINGHAUSEN DISEASE; NEUROFIBROMATOSIS, TYPE I, SOMATIC; Peripheral type neurofibromatosis. Identifiers: Orphanet 636, MedGen C0027831, MONDO:0018975, OMIM 162200. Disease mechanism: loss of function.

Submission:

Labcorp Genetics (formerly Invitae), Labcorp
Classification: Pathogenic for Neurofibromatosis, type 1. Last evaluated: 2023-02-16. Review status: criteria provided, single submitter. Criteria: Invitae Variant Classification Sherloc (09022015). Collection method: clinical testing. Allele origin: germline.
Comment: For these reasons, this variant has been classified as Pathogenic. This variant has not been reported in the literature in individuals affected with NF1-related conditions. This variant is not present in population databases (gnomAD no frequency). This sequence change creates a premature translational stop signal (p.Gly823*) in the NF1 gene. It is expected to result in an absent or disrupted protein product. Loss-of-function variants in NF1 are known to be pathogenic (PMID: 10712197, 23913538).

Literature cited by the submitters: PubMed 10712197; PubMed 23913538.

NM_001042492.3(NF1):c.2467G>T (p.Gly823Ter)

Gene: NF1 (neurofibromin 1; plus strand). Cytogenetic location: 17q11.2.
Variant type: single nucleotide variant.
Coding change: c.2467G>T on transcript NM_001042492.3 (MANE Select); coding-DNA position 2467, G replaced by T.
Protein change: p.Gly823Ter; replaces glycine 823 with a stop codon.
Molecular consequence: nonsense.
Genome position (GRCh38, 1-based): chr17:31,229,082, G>T. VCF-style: chr17-31229082-G-T. GRCh37 (hg19) VCF-style: chr17-29556100-G-T.
Other names: c.2467G>T, p.Gly823Ter (NM_000267.4); short protein forms G823*.
Identifiers: ClinVar variation 2837729 (VCV002837729.3), dbSNP rs1597715196, ClinGen allele CA398983980.